The following is an entry in ClinVar:

ClinVar aggregate classification (germline): Conflicting classifications of pathogenicity. Review status: criteria provided, conflicting classifications (1 of 4 stars). 5 submissions from 4 submitters: Uncertain significance (2); Benign (1); Likely benign (2). Last evaluated 2026-07-16.

Conditions:
NF1-related disorder. Also called: NF1-related condition. Identifiers: MedGen CN379171.
Cardiovascular phenotype. Identifiers: MedGen CN230736.
Hereditary cancer-predisposing syndrome. Also called: Neoplastic Syndromes, Hereditary; Tumor predisposition; Hereditary Cancer Syndrome; Hereditary neoplastic syndrome. Identifiers: Orphanet 140162, MedGen C0027672, MeSH D009386, MONDO:0015356.
Neurofibromatosis, type 1 (NF1). Also called: NEUROFIBROMATOSIS, TYPE I, SOMATIC; Peripheral type neurofibromatosis; Neurofibromatosis, type I; VON RECKLINGHAUSEN DISEASE. Identifiers: Orphanet 636, MedGen C0027831, MONDO:0018975, OMIM 162200. Disease mechanism: loss of function.

Allele frequency attached by ClinVar (database versions not stated): TOPMed below 0.00001; gnomAD 0.00001; ExAC 0.00002; gnomAD exomes 0.00002 and 0.00004.
gnomAD v4.1: 59 of 1,613,670 alleles (0.0037%); highest among the groups gnomAD compares: Non-Finnish European, 0.0047%; no homozygotes.

Submissions (5):

PreventionGenetics, part of Exact Sciences
Classification: Uncertain significance for NF1-related condition. Last evaluated: 2026-07-16. Review status: criteria provided, single submitter. Criteria: ACMG Guidelines, 2015. Collection method: clinical testing. Allele origin: germline.
Comment: The NF1 c.1972C>T variant is predicted to result in the amino acid substitution p.Leu658Phe. To our knowledge, this variant has not been reported in the literature. This variant is reported in 0.0054% of alleles in individuals of East Asian descent in gnomAD and has conflicting interpretations regarding its pathogenicity in ClinVar, ranging from benign to uncertain (Variation ID: 231610). At this time, the clinical significance of this variant is uncertain due to the absence of conclusive functional and genetic evidence.

Labcorp Genetics (formerly Invitae), Labcorp
Classification: Benign for Neurofibromatosis, type 1. Last evaluated: 2025-12-16. Review status: criteria provided, single submitter. Criteria: Invitae Variant Classification Sherloc (09022015). Collection method: clinical testing. Allele origin: germline.

Ambry Genetics
Classification: Likely benign for Cardiovascular phenotype; Hereditary cancer-predisposing syndrome. Last evaluated: 2023-06-01. Review status: criteria provided, single submitter. Criteria: Ambry Variant Classification Scheme 2023. Collection method: clinical testing. Allele origin: germline.

GeneDx
Classification: Likely benign. Last evaluated: 2019-08-30. Review status: criteria provided, single submitter. Criteria: GeneDx Variant Classification Process June 2021. Collection method: clinical testing. Allele origin: germline. Affected: yes.
Comment: In silico analysis, which includes protein predictors and evolutionary conservation, supports that this variant does not alter protein structure/function; Has not been previously published as pathogenic or benign to our knowledge

Ambry Genetics
Classification: Uncertain significance for Hereditary cancer-predisposing syndrome. Last evaluated: 2015-05-04. Review status: criteria provided, single submitter. Criteria: Ambry Autosomal Dominant and X-Linked criteria (10/2015). Collection method: clinical testing. Allele origin: germline. Observed: 1 variant allele.
Comment: The p.L658F variant (also known as c.1972C>T), located in coding exon 17 of the NF1 gene, results from a C to T substitution at nucleotide position 1972. The leucine at codon 658 is replaced by phenylalanine, an amino acid with highly similar properties. This variant was not reported in population based cohorts in the following databases: Database of Single Nucleotide Polymorphisms (dbSNP), NHLBI Exome Sequencing Project (ESP), and 1000 Genomes Project. In the ESP, this variant was not observed in 6503 samples (13006 alleles) with coverage at this position. To date, this alteration has been detected with an allele frequency of approximately 0.002% (greater than 55000 alleles tested) in our clinical cohort. This amino acid position is well conserved in available vertebrate species. In addition, this alteration is predicted to be tolerated by in silico analysis. Since supporting evidence is limited at this time, the clinical significance of p.L658F remains unclear.

NM_001042492.3(NF1):c.1972C>T (p.Leu658Phe)

Gene: NF1 (neurofibromin 1; plus strand). Cytogenetic location: 17q11.2.
Variant type: single nucleotide variant.
Coding change: c.1972C>T on transcript NM_001042492.3 (MANE Select); coding-DNA position 1972, C replaced by T.
Protein change: p.Leu658Phe; replaces leucine 658 with phenylalanine.
Molecular consequence: missense variant.
Genome position (GRCh38, 1-based): chr17:31,225,221, C>T. VCF-style: chr17-31225221-C-T. GRCh37 (hg19) VCF-style: chr17-29552239-C-T.
Other names: c.1972C>T, p.Leu658Phe (NM_000267.4); short protein forms L658F.
Identifiers: ClinVar variation 231610 (VCV000231610.15), dbSNP rs763901597, ClinGen allele CA8485889.
Genomic context (GRCh38, chr17:31,225,221, plus strand): 5'-GGAAATACCAGTCAAATGTCCATGGATCATGAAGAATTACTACGTACTCCTGGAGCCTCT[C>T]TCCGGAAGGGAAAAGGGAACTCCTCTATGGTCAGCTTCTTCTGTACTTTTTCTGTATCAT-3'
Protein context (NP_001035957.1, residues 648-668): EELLRTPGAS[Leu658Phe]RKGKGNSSMD